The following is an entry in ClinVar:

NM_015425.6(POLR1A):c.4610A>G (p.Asn1537Ser)

Gene: POLR1A (RNA polymerase I subunit A; minus strand). Cytogenetic location: 2p11.2.
Variant type: single nucleotide variant.
Coding change: c.4610A>G on transcript NM_015425.6 (MANE Select); coding-DNA position 4610, A replaced by G.
Protein change: p.Asn1537Ser; replaces asparagine 1537 with serine.
Molecular consequence: missense variant.
Genome position (GRCh38, 1-based): chr2:86,030,365, T>C on the plus strand (A>G on the coding strand, the complement: POLR1A is on the minus strand). VCF-style: chr2-86030365-T-C. GRCh37 (hg19) VCF-style: chr2-86257488-T-C.
Other names: short protein forms N1537S.
Identifiers: ClinVar variation 4768177 (VCV004768177.1).
Genomic context (GRCh38, chr2:86,030,365, plus strand): 5'-TTGGTCGCATAGATGACGGCACCATGGGCCAAAGATACTACCAGGGAGCTCATGTCAAAG[T>C]TGATCTTCATCAGAGGGAGCTTCACTGTCACCTGCAAAAGGAGGGAGAGCTGGGTAGGGT-3'
Protein context (NP_056240.2, residues 1527-1547): VTVKLPLMKI[Asn1537Ser]FDMSSLVVSL

ClinVar aggregate classification (germline): Uncertain significance (1 of 4 stars; one submission).

gnomAD v4.1: 9 of 1,614,088 alleles (0.00056%); highest among the groups gnomAD compares: Non-Finnish European, 0.00076%; no homozygotes.

Submission:

Labcorp Genetics (formerly Invitae), Labcorp
Classification: Uncertain significance. Last evaluated: 2025-09-24. Review status: criteria provided, single submitter. Criteria: Invitae Variant Classification Sherloc (09022015). Collection method: clinical testing. Allele origin: germline.
Comment: This sequence change replaces asparagine, which is neutral and polar, with serine, which is neutral and polar, at codon 1537 of the POLR1A protein (p.Asn1537Ser). This variant is not present in population databases (gnomAD no frequency). This variant has not been reported in the literature in individuals affected with POLR1A-related conditions. Invitae Evidence Modeling of protein sequence and biophysical properties (such as structural, functional, and spatial information, amino acid conservation, physicochemical variation, residue mobility, and thermodynamic stability) indicates that this missense variant is not expected to disrupt POLR1A protein function with a negative predictive value of 80%. In summary, the available evidence is currently insufficient to determine the role of this variant in disease. Therefore, it has been classified as a Variant of Uncertain Significance.